The following is an entry in ClinVar:

NM_001008537.3(NEXMIF):c.3325G>C (p.Val1109Leu)

Gene: NEXMIF (neurite extension and migration factor; minus strand). Cytogenetic location: Xq13.3.
Variant type: single nucleotide variant.
Coding change: c.3325G>C on transcript NM_001008537.3 (MANE Select); coding-DNA position 3325, G replaced by C.
Protein change: p.Val1109Leu; replaces valine 1109 with leucine.
Molecular consequence: missense variant.
Genome position (GRCh38, 1-based): chrX:74,741,232, C>G on the plus strand (G>C on the coding strand, the complement: NEXMIF is on the minus strand). VCF-style: chrX-74741232-C-G. GRCh37 (hg19) VCF-style: chrX-73961067-C-G.
Other names: c.3325G>C (NM_001008537.2); short protein forms V1109L.
Identifiers: ClinVar variation 2861870 (VCV002861870.4), dbSNP rs948687949, ClinGen allele CA413666211.

ClinVar aggregate classification (germline): Uncertain significance. Review status: criteria provided, multiple submitters, no conflicts (2 of 4 stars). 2 submissions from 2 submitters: Uncertain significance (2). Last evaluated 2025-12-29.

Allele frequency attached by ClinVar (database versions not stated): TOPMed 0.00001; gnomAD 0.00002.
gnomAD v4.1: 3 of 1,209,458 alleles (0.00025%); highest among the groups gnomAD compares: African/African-American, 0.0053%; no homozygotes.

Submissions (2):

Ambry Genetics
Classification: Uncertain significance. Last evaluated: 2025-12-29. Review status: criteria provided, single submitter. Criteria: Ambry Variant Classification Scheme 2023. Collection method: clinical testing. Allele origin: germline.

Labcorp Genetics (formerly Invitae), Labcorp
Classification: Uncertain significance. Last evaluated: 2023-05-08. Review status: criteria provided, single submitter. Criteria: Invitae Variant Classification Sherloc (09022015). Collection method: clinical testing. Allele origin: germline.
Comment: In summary, the available evidence is currently insufficient to determine the role of this variant in disease. Therefore, it has been classified as a Variant of Uncertain Significance. An algorithm developed to predict the effect of missense changes on protein structure and function (PolyPhen-2) suggests that this variant is likely to be tolerated. This variant has not been reported in the literature in individuals affected with NEXMIF-related conditions. This variant is not present in population databases (gnomAD no frequency). This sequence change replaces valine, which is neutral and non-polar, with leucine, which is neutral and non-polar, at codon 1109 of the NEXMIF protein (p.Val1109Leu).